The following is an entry in ClinVar:

NM_000257.4(MYH7):c.1662C>A (p.Asp554Glu)

Gene: MYH7 (myosin heavy chain 7; minus strand). Cytogenetic location: 14q11.2.
Variant type: single nucleotide variant.
Coding change: c.1662C>A on transcript NM_000257.4 (MANE Select); coding-DNA position 1662, C replaced by A.
Protein change: p.Asp554Glu; replaces aspartic acid 554 with glutamic acid.
Molecular consequence: missense variant.
Genome position (GRCh38, 1-based): chr14:23,427,811, G>T on the plus strand (C>A on the coding strand, the complement: MYH7 is on the minus strand). VCF-style: chr14-23427811-G-T. GRCh37 (hg19) VCF-style: chr14-23897020-G-T.
Other names: short protein forms D554E.
Identifiers: ClinVar variation 656013 (VCV000656013.8), dbSNP rs750828477, ClinGen allele CA029049.

ClinVar aggregate classification (germline): Uncertain significance. Review status: criteria provided, multiple submitters, no conflicts (2 of 4 stars). 2 submissions from 2 submitters: Uncertain significance (2). Last evaluated 2025-05-08.

Conditions:
Cardiomyopathy (CMYO). Also called: Cardiomyopathies. Identifiers: Orphanet 167848, MedGen C0878544, MONDO:0004994, HP:0001638. Inheritance: Various modes of inheritance.
Hypertrophic cardiomyopathy. Also called: HYPERTROPHIC MYOCARDIOPATHY. Identifiers: Orphanet 217569, MedGen C0007194, MeSH D002312, MONDO:0005045, HP:0001639.

Allele frequency attached by ClinVar (database versions not stated): gnomAD exomes below 0.00001; ExAC 0.00001; gnomAD 0.00001.
gnomAD v4.1: 2 of 1,614,078 alleles (0.00012%); highest among the groups gnomAD compares: Non-Finnish European, 0.00017%; no homozygotes.

Submissions (2):

Labcorp Genetics (formerly Invitae), Labcorp
Classification: Uncertain significance for Hypertrophic cardiomyopathy. Last evaluated: 2025-05-08. Review status: criteria provided, single submitter. Criteria: Invitae Variant Classification Sherloc (09022015). Collection method: clinical testing. Allele origin: germline.
Comment: This sequence change replaces aspartic acid, which is acidic and polar, with glutamic acid, which is acidic and polar, at codon 554 of the MYH7 protein (p.Asp554Glu). This variant is present in population databases (rs750828477, gnomAD 0.0009%). This missense change has been observed in individual(s) with hypertrophic cardiomyopathy (PMID: 24111713, 35653365). ClinVar contains an entry for this variant (Variation ID: 656013). Invitae Evidence Modeling of protein sequence and biophysical properties (such as structural, functional, and spatial information, amino acid conservation, physicochemical variation, residue mobility, and thermodynamic stability) indicates that this missense variant is expected to disrupt MYH7 protein function with a positive predictive value of 95%. In summary, the available evidence is currently insufficient to determine the role of this variant in disease. Therefore, it has been classified as a Variant of Uncertain Significance.

All of Us Research Program, National Institutes of Health
Classification: Uncertain significance for Cardiomyopathy. Last evaluated: 2023-04-10. Review status: criteria provided, single submitter. Criteria: ACMG Guidelines, 2015. Collection method: clinical testing. Allele origin: germline. Inheritance: Autosomal dominant inheritance. Observed: 1 variant allele, 1 heterozygote.
Comment: This missense variant replaces aspartic acid with glutamic acid at codon 554 of the MYH7 protein. Computational prediction suggests that this variant may have a deleterious impact on protein structure and function (internally defined REVEL score threshold >= 0.7, PMID: 27666373). This variant is found within a highly conserved region of the myosin head domain. Missense variants in this region have been shown to be significantly overrepresented in individuals with hypertrophic cardiomyopathy (PMID: 27532257). To our knowledge, functional studies have not been reported for this variant. This variant has been reported in at least 2 individuals affected with hypertrophic cardiomyopathy (PMID: 24111713, 28971120). This variant has been identified in 1/251478 chromosomes in the general population by the Genome Aggregation Database (gnomAD). The available evidence is insufficient to determine the role of this variant in disease conclusively. Therefore, this variant is classified as a Variant of Uncertain Significance.

This study involves interpretation of variants in research participants for the purpose of population health screening. Participant phenotype was not available at the time of variant classification. Additional details can be found in publication PMID: 35346344, PMCID: PMC8962531

Literature cited by the submitters: PubMed 24111713 (cited by Labcorp Genetics (formerly Invitae), Labcorp and All of Us Research Program, National Institutes of Health); PubMed 35653365 (cited by Labcorp Genetics (formerly Invitae), Labcorp); PubMed 27532257 (cited by All of Us Research Program, National Institutes of Health); PubMed 28971120 (cited by All of Us Research Program, National Institutes of Health).